The following is an entry in ClinVar:

ClinVar aggregate classification (germline): Uncertain significance. Review status: criteria provided, multiple submitters, no conflicts (2 of 4 stars). 2 submissions from 2 submitters: Uncertain significance (2). Last evaluated 2025-08-20.

Conditions:
Inborn genetic diseases. Identifiers: MedGen C0950123, MeSH D030342.

Allele frequency attached by ClinVar (database versions not stated): gnomAD 0.00003; ExAC 0.00006; TOPMed 0.00006.
gnomAD v4.1: 13 of 1,549,660 alleles (0.00084%); highest among the groups gnomAD compares: Admixed American, 0.016%; no homozygotes.

Submissions (2):

Mayo Clinic Laboratories, Mayo Clinic
Classification: Uncertain significance. Last evaluated: 2025-08-20. Review status: criteria provided, single submitter. Criteria: ACMG Guidelines, 2015. Collection method: clinical testing. Allele origin: germline. Observed: 1 variant allele.
Comment: BP4_moderate, PM2_supporting

Ambry Genetics
Classification: Uncertain significance for Inborn genetic diseases. Last evaluated: 2023-12-09. Review status: criteria provided, single submitter. Criteria: Ambry Variant Classification Scheme 2023. Collection method: clinical testing. Allele origin: germline.

NM_001142864.4(PIEZO1):c.6993C>G (p.Asn2331Lys)

Gene: PIEZO1 (piezo type mechanosensitive ion channel component 1 (Er blood group); minus strand). Cytogenetic location: 16q24.3.
Variant type: single nucleotide variant.
Coding change: c.6993C>G on transcript NM_001142864.4 (MANE Select); coding-DNA position 6993, C replaced by G.
Protein change: p.Asn2331Lys; replaces asparagine 2331 with lysine.
Molecular consequence: missense variant.
Genome position (GRCh38, 1-based): chr16:88,716,417, G>C on the plus strand (C>G on the coding strand, the complement: PIEZO1 is on the minus strand). VCF-style: chr16-88716417-G-C. GRCh37 (hg19) VCF-style: chr16-88782825-G-C.
Other names: p.Asn2331Lys; c.5535C>G, p.Asn1845Lys (NM_014745.1); short protein forms N1845K, N2331K.
Identifiers: ClinVar variation 3212709 (VCV003212709.2), dbSNP rs746444593, ClinGen allele CA8231437.
Genomic context (GRCh38, chr16:88,716,417, plus strand): 5'-TCACACAGACTGGTCCGAGGTGCCCTCGAGCAGGCTGGCCAGCTGCCGCCGTGCAGTGCT[G>C]TTGGGGGCCAGGGCCAGCATGTGCTTCTCGTTGGCATACTCCACAGTGCCTCCCTTCGCC-3'
Protein context (NP_001136336.2, residues 2321-2341): NEKHMLALAP[Asn2331Lys]STARRQLASL